The following is an entry in ClinVar:

ClinVar aggregate classification (germline): Uncertain significance (1 of 4 stars; one submission).

gnomAD v4.1: 7 of 1,614,082 alleles (0.00043%); highest among the groups gnomAD compares: South Asian, 0.0077%; no homozygotes.

Submission:

Labcorp Genetics (formerly Invitae), Labcorp
Classification: Uncertain significance. Last evaluated: 2025-08-29. Review status: criteria provided, single submitter. Criteria: Invitae Variant Classification Sherloc (09022015). Collection method: clinical testing. Allele origin: germline.
Comment: This sequence change replaces leucine, which is neutral and non-polar, with valine, which is neutral and non-polar, at codon 898 of the EFTUD2 protein (p.Leu898Val). This variant is present in population databases (no rsID available, gnomAD 0.003%). This variant has not been reported in the literature in individuals affected with EFTUD2-related conditions. Invitae Evidence Modeling of protein sequence and biophysical properties (such as structural, functional, and spatial information, amino acid conservation, physicochemical variation, residue mobility, and thermodynamic stability) indicates that this missense variant is not expected to disrupt EFTUD2 protein function with a negative predictive value of 80%. In summary, the available evidence is currently insufficient to determine the role of this variant in disease. Therefore, it has been classified as a Variant of Uncertain Significance.

NM_004247.4(EFTUD2):c.2692C>G (p.Leu898Val)

Gene: EFTUD2 (elongation factor Tu GTP binding domain containing 2; minus strand). Cytogenetic location: 17q21.31.
Variant type: single nucleotide variant.
Coding change: c.2692C>G on transcript NM_004247.4 (MANE Select); coding-DNA position 2692, C replaced by G.
Protein change: p.Leu898Val; replaces leucine 898 with valine.
Molecular consequence: missense variant.
Genome position (GRCh38, 1-based): chr17:44,852,432, G>C on the plus strand (C>G on the coding strand, the complement: EFTUD2 is on the minus strand). VCF-style: chr17-44852432-G-C. GRCh37 (hg19) VCF-style: chr17-42929800-G-C.
Other names: c.2587C>G, p.Leu863Val (NM_001142605.2); c.2692C>G, p.Leu898Val (NM_001258353.2); c.2662C>G, p.Leu888Val (NM_001258354.2); short protein forms L898V, L888V, L863V.
Identifiers: ClinVar variation 4774635 (VCV004774635.1).